The following is an entry in ClinVar:

NM_138694.4(PKHD1):c.7510C>T (p.Gln2504Ter)

Gene: PKHD1 (PKHD1 ciliary IPT domain containing fibrocystin/polyductin; minus strand). Cytogenetic location: 6p12.2.
Variant type: single nucleotide variant.
Coding change: c.7510C>T on transcript NM_138694.4 (MANE Select); coding-DNA position 7510, C replaced by T.
Protein change: p.Gln2504Ter; replaces glutamine 2504 with a stop codon.
Molecular consequence: nonsense.
Genome position (GRCh38, 1-based): chr6:51,868,086, G>A on the plus strand (C>T on the coding strand, the complement: PKHD1 is on the minus strand). VCF-style: chr6-51868086-G-A. GRCh37 (hg19) VCF-style: chr6-51732884-G-A.
Other names: c.7510C>T, p.Gln2504Ter (NM_170724.3); short protein forms Q2504*.
Identifiers: ClinVar variation 4816747 (VCV004816747.1).

ClinVar aggregate classification (germline): Likely pathogenic (1 of 4 stars; one submission).

Conditions:
Autosomal recessive polycystic kidney disease (ARPKD). Also called: AR polycystic kidney disease. Identifiers: Orphanet 731, Orphanet 8378, MedGen C0085548, MeSH D017044, MONDO:0009889.

Submission:

Natera, Inc.
Classification: Likely pathogenic for Autosomal recessive polycystic kidney disease. Last evaluated: 2024-05-28. Review status: criteria provided, single submitter. Criteria: Natera Variant Classification Schema (03/2026). Collection method: clinical testing. Allele origin: germline.
Comment: The c.7510C>T variant in PKHD1 is a nonsense variant predicted to introduce a stop codon at amino acid 2504. This variant is expected to result in nonsense mediated decay, truncation, or a dysfunctional protein product. This variant is rare in the general population with a frequency below the threshold expected for the associated phenotype(s). Given the available evidence, this variant is classified as Likely Pathogenic.